The following is an entry in ClinVar:

NM_001036.6(RYR3):c.7272C>T (p.Leu2424=)

Gene: RYR3 (ryanodine receptor 3; plus strand). Cytogenetic location: 15q14.
Variant type: single nucleotide variant.
Coding change: c.7272C>T on transcript NM_001036.6 (MANE Select); coding-DNA position 7272, C replaced by T.
Protein change: p.Leu2424=; no amino-acid change (leucine 2424 retained).
Molecular consequence: synonymous variant.
Genome position (GRCh38, 1-based): chr15:33,731,542, C>T. VCF-style: chr15-33731542-C-T. GRCh37 (hg19) VCF-style: chr15-34023743-C-T.
Other names: c.7272C>T, p.Leu2424= (NM_001243996.4).
Identifiers: ClinVar variation 2645141 (VCV002645141.24), dbSNP rs1397084304, ClinGen allele CA489395139.

ClinVar aggregate classification (germline): Likely benign (1 of 4 stars; one submission).

Allele frequency attached by ClinVar (database versions not stated): gnomAD exomes below 0.00001; TOPMed below 0.00001.
gnomAD v4.1: 9 of 1,613,866 alleles (0.00056%); highest among the groups gnomAD compares: Non-Finnish European, 0.000085%; no homozygotes.

Submission:

CeGaT Center for Human Genetics Tuebingen
Classification: Likely benign. Last evaluated: 2023-01-01. Review status: criteria provided, single submitter. Criteria: CeGaT Center For Human Genetics Tuebingen Variant Classification Criteria Version 2. Collection method: clinical testing. Allele origin: germline. Affected: yes. Observed: 1 variant allele.
Comment: RYR3: BP4, BP7